The following is an entry in ClinVar:

ClinVar aggregate classification (germline): Likely benign (0 of 4 stars; one submission).

Conditions:
MKKS-related disorder. Also called: MKKS-related condition; MKKS-related disorders.

Submission:

PreventionGenetics, part of Exact Sciences
Classification: Likely benign for MKKS-related condition. Last evaluated: 2024-04-24. Review status: no assertion criteria provided. Collection method: clinical testing. Allele origin: germline.
Comment: This variant is classified as likely benign based on ACMG/AMP sequence variant interpretation guidelines (Richards et al. 2015 PMID: 25741868, with internal and published modifications).

NM_170784.3(MKKS):c.942C>T (p.Asp314=)

Gene: MKKS (MKKS centrosomal shuttling protein; minus strand). Cytogenetic location: 20p12.2.
Variant type: single nucleotide variant.
Coding change: c.942C>T on transcript NM_170784.3 (MANE Select); coding-DNA position 942, C replaced by T.
Protein change: p.Asp314=; no amino-acid change (aspartic acid 314 retained).
Molecular consequence: synonymous variant.
Genome position (GRCh38, 1-based): chr20:10,412,573, G>A on the plus strand (C>T on the coding strand, the complement: MKKS is on the minus strand). VCF-style: chr20-10412573-G-A. GRCh37 (hg19) VCF-style: chr20-10393221-G-A.
Other names: c.942C>T, p.Asp314= (NM_018848.3).
Identifiers: ClinVar variation 3347153 (VCV003347153.1).